The following is an entry in ClinVar:

ClinVar aggregate classification (germline): Benign/Likely benign. Review status: criteria provided, multiple submitters, no conflicts (2 of 4 stars). 4 submissions from 4 submitters: Benign (2); Likely benign (1). 1 of the submissions does not count toward it. Last evaluated 2025-08-13.

Conditions:
Epilepsy, familial adult myoclonic, 5 (EPEO5). Also called: CORTICAL MYOCLONIC TREMOR WITH EPILEPSY, FAMILIAL, 5. Identifiers: Orphanet 86814, MedGen C3809374, MONDO:0014167, OMIM 615400.
CNTN2-related disorder. Also called: CNTN2-related condition.

Allele frequency attached by ClinVar (database versions not stated): 1000 Genomes Project 30x 0.00016; 1000 Genomes Project 0.00020; gnomAD exomes 0.00035 and 0.00073; gnomAD 0.00046 and 0.00047; TOPMed 0.00054; ExAC 0.00062; ESP Exome Variant Server 0.00062.

Submissions (4):

Labcorp Genetics (formerly Invitae), Labcorp
Classification: Benign for Epilepsy, familial adult myoclonic, 5. Last evaluated: 2025-08-13. Review status: criteria provided, single submitter. Criteria: Invitae Variant Classification Sherloc (09022015). Collection method: clinical testing. Allele origin: germline.

CeGaT Center for Human Genetics Tuebingen
Classification: Likely benign. Last evaluated: 2024-03-01. Review status: criteria provided, single submitter. Criteria: CeGaT Center For Human Genetics Tuebingen Variant Classification Criteria Version 2. Collection method: clinical testing. Allele origin: germline. Affected: yes. Observed: 2 variant alleles.
Comment: CNTN2: BP4, BS1

Breakthrough Genomics
Classification: Benign. Review status: criteria provided, single submitter. Criteria: ACMG Guidelines, 2015. Collection method: not provided. Allele origin: germline. Inheritance: Autosomal recessive inheritance. Affected: yes.

PreventionGenetics, part of Exact Sciences
Classification: Benign for CNTN2-related condition. Last evaluated: 2019-07-10. Review status: no assertion criteria provided. Collection method: clinical testing. Allele origin: germline. Not counted in ClinVar's aggregate classification.
Comment: This variant is classified as benign based on ACMG/AMP sequence variant interpretation guidelines (Richards et al. 2015 PMID: 25741868, with internal and published modifications).

NM_005076.5(CNTN2):c.223A>G (p.Met75Val)

Gene: CNTN2 (contactin 2; plus strand). Cytogenetic location: 1q32.1.
Variant type: single nucleotide variant.
Coding change: c.223A>G on transcript NM_005076.5 (MANE Select); coding-DNA position 223, A replaced by G.
Protein change: p.Met75Val; replaces methionine 75 with valine.
Molecular consequence: missense variant. On other transcripts: non-coding transcript variant (1).
Genome position (GRCh38, 1-based): chr1:205,058,188, A>G. VCF-style: chr1-205058188-A-G. GRCh37 (hg19) VCF-style: chr1-205027316-A-G.
Other names: c.223A>G, p.Met75Val (NM_001346083.2); c.223A>G (NM_005076.4); short protein forms M75V.
Identifiers: ClinVar variation 581019 (VCV000581019.37), dbSNP rs144767577, ClinGen allele CA1350977.